The following continues an entry in ClinVar:

NM_000059.4(BRCA2):c.6935A>T (p.Asp2312Val)

Gene: BRCA2. ClinVar aggregate classification (germline): Benign. Benign (1).

Submissions 16 to 27 of 27:

Institute for Biomarker Research, Medical Diagnostic Laboratories, L.L.C.
Classification: Likely benign for Hereditary cancer-predisposing syndrome. Last evaluated: 2017-07-12. Review status: criteria provided, single submitter. Criteria: ACMG Guidelines, 2015. Collection method: clinical testing. Allele origin: germline. Not counted in ClinVar's aggregate classification.

Illumina Laboratory Services, Illumina
Classification: Likely benign for Breast-ovarian cancer, familial, susceptibility to, 2. Last evaluated: 2017-04-27. Review status: criteria provided, single submitter. Criteria: ICSL Variant Classification Criteria 13 December 2019. Collection method: clinical testing. Allele origin: germline. Not counted in ClinVar's aggregate classification.
Comment: This variant was observed as part of a predisposition screen in an ostensibly healthy population. A literature search was performed for the gene, cDNA change, and amino acid change (where applicable). Publications were found based on this search. The evidence from the literature, in combination with allele frequency data from public databases where available, was sufficient to determine this variant is unlikely to cause disease. Therefore, this variant is classified as likely benign.

Illumina Laboratory Services, Illumina
Classification: Likely benign for Fanconi anemia complementation group D1. Last evaluated: 2017-04-27. Review status: criteria provided, single submitter. Criteria: ICSL Variant Classification Criteria 13 December 2019. Collection method: clinical testing. Allele origin: germline. Not counted in ClinVar's aggregate classification.
Comment: This variant was observed as part of a predisposition screen in an ostensibly healthy population. A literature search was performed for the gene, cDNA change, and amino acid change (where applicable). No publications were found based on this search. Allele frequency data from public databases allowed determination this variant is unlikely to cause disease. Therefore, this variant is classified as likely benign.

Color Diagnostics, LLC DBA Color Health
Classification: Likely benign for Hereditary cancer-predisposing syndrome. Last evaluated: 2016-07-11. Review status: criteria provided, single submitter. Criteria: ACMG Guidelines, 2015. Collection method: clinical testing. Allele origin: germline. Not counted in ClinVar's aggregate classification.

Women's Health and Genetics/Laboratory Corporation of America, LabCorp
Classification: Likely benign. Last evaluated: 2016-06-27. Review status: criteria provided, single submitter. Criteria: LabCorp Variant Classification Summary - May 2015. Collection method: clinical testing. Allele origin: germline. Not counted in ClinVar's aggregate classification.
Comment: Variant summary: The BRCA2 c.6935A>T (p.Asp2312Val) variant involves the alteration of a non-conserved nucleotide. 5/5 in silico tools predict damaging outcome for this variant. This variant is only three nucleotides away from the nearest exon-intron boundary and is thus predicted to affect normal splicing. 3/5 splice prediction tools predict a significant impact on normal splicing. But in vitro studies show that this variant does not significantly affect normal splicing (Houdayer_2011, Brandao_2011). This variant was found in 32/113924 control chromosomes (including one homozygote), predominantly observed in the South Asian, subpopulation at a frequency of 0.0016915 (27/15962). This frequency is about 2 times higher than the estimated maximal expected allele frequency of a pathogenic BRCA2 variant (0.0007503), suggesting this is likely a benign polymorphism found primarily in the populations of South Asian. This variant has been reported in several instances in HBOC patients and/or individuals undergoing BRCA1/2 testing including co-occurrence with another deleterious variant (p.Lys1026Ter) in the same gene, strongly supporting for the benign outcome. Multifactorial probability-based models are also consistent with the benign outcome. Multiple clinical labs have classified this variant as benign/likely benign. Taken together, this variant is currently classified as Likely Benign.

Genomic Diagnostic Laboratory, Division of Genomic Diagnostics, Children's Hospital of Philadelphia
Classification: Likely benign for Hereditary Breast and Ovarian Cancer. Last evaluated: 2015-07-10. Review status: criteria provided, single submitter. Criteria: DGD Variant Analysis Guidelines. Collection method: clinical testing. Allele origin: unknown. Not counted in ClinVar's aggregate classification.

Ambry Genetics
Classification: Benign for Hereditary cancer-predisposing syndrome. Last evaluated: 2014-11-19. Review status: criteria provided, single submitter. Criteria: Ambry Variant Classification Scheme 2023. Collection method: clinical testing. Allele origin: germline. Not counted in ClinVar's aggregate classification.

PreventionGenetics, part of Exact Sciences
Classification: Likely benign. Review status: criteria provided, single submitter. Criteria: ACMG Guidelines, 2015. Collection method: clinical testing. Allele origin: germline. Not counted in ClinVar's aggregate classification.

BRCAlab, Lund University
Classification: Benign for Breast-ovarian cancer, familial, susceptibility to, 2. Last evaluated: 2020-03-02. Review status: no assertion criteria provided. Collection method: clinical testing. Allele origin: germline. Affected: yes. Not counted in ClinVar's aggregate classification.

Counsyl
Classification: Benign for Breast-ovarian cancer, familial, susceptibility to, 2. Last evaluated: 2016-07-29. Review status: no assertion criteria provided. Collection method: clinical testing. Allele origin: unknown. Not counted in ClinVar's aggregate classification.

Breast Cancer Information Core (BIC) (BRCA2)
Classification: Uncertain significance for Breast-ovarian cancer, familial 2. Last evaluated: 2002-05-29. Review status: no assertion criteria provided. Collection method: clinical testing. Allele origin: germline. Affected: yes. Observed: 5 variant alleles. Not counted in ClinVar's aggregate classification.

Department of Pathology and Laboratory Medicine, Sinai Health System
Classification: Likely benign. Review status: no assertion criteria provided. Collection method: clinical testing. Allele origin: unknown. Affected: yes. Study: The Canadian Open Genetics Repository (COGR). Not counted in ClinVar's aggregate classification.
Comment: The BRCA2 p.Asp2312Val variant was identified in 3 of 4718 proband chromosomes (frequency: 0.0006) from Brazilian, German and Other individuals or families at high risk of breast and ovarian cancers, and was present in 1 of 230 control chromosomes (frequency: 0.004) from healthy elderly Croatian women (Fernandes 2016, Trujillano_2015, Brandao 2011). The variant was identified by Brandao (2011) in an individual from a high-risk breast and/or ovarian cancer family and RT-PCR transcript analysis of lymphocytes from this individual showed an increase in exon12 skipping as compared to normal controls; however, the BRCA2 exon 12 deletion isoform is naturally occurring and the c.6935T allele expressed full-length transcript at similar expression levels compared with the wild-type (WT) allele and control alleles suggesting the variant is likely to be neutral. Li (2009) studied a different variant in this region which was also shown to increase exon 12 skipping, and functional results from this study did not detect any difference between this variant and wild type, suggesting that exon 12 is functionally redundant and missense changes in this region are likely to be neutral. In addition, Li (2009) notes that the peptide encoded by exon 12 does not contain any known important functional motifs; however, this region may have a role in processes that were not assessed. An in silico likelihood-ratio study by Easton (2007) suggests that this variant is neutral. In addition, a splice study using 6 in silico models, with predictions compared to transcript analysis showed the variant does not effect change on splicing (Houdayer 2012). The variant was also identified in dbSNP (ID: rs80358916), ClinVar (with conflicting interpretations of pathogenicity; classified as benign by Ambry Genetics, Counsyl, Invitae; likely benign by Prevention Genetics, Div of Genomic Diagnostics - Children's Hospital of Philadelphia, Illumina Clinical Services, GeneDx; and uncertain significance by BIC), Clinvitae (5X), LOVD 3.0 (4x), UMD-LSDB (10X, 1-neutral), and the BIC Database (5x, clinical importance unknown, classification pending). The variant was not identified in the COGR, Cosmic, ARUP Laboratories, and Zhejiang Colon Cancer Databases. The variant was also identified in control databases in 64 (1 homozygous) of 276074 chromosomes at a frequency of 0.0002 in the following populations: other in 1 of 6424 chromosomes (freq. 0.00016), European in 2 of 126058 chromosomes (freq. 0.000016), Ashkenazi Jewish in 1 of 10110 chromosomes (freq. 0.0001), South Asian in 60 of 30712 chromosomes (freq. 0.0002), increasing the likelihood this could be a low frequency variant (Genome Aggregation Consortium Feb 27, 2017). The variant was also identified by our laboratory in 3 individuals with breast and ovarian cancer. The p.Asp2312 residue is conserved in mammals but not in more distantly related organisms, and computational analyses (PolyPhen-2, SIFT, AlignGVGD, BLOSUM, MutationTaster) suggest that the variant may impact the protein; however, this information is not predictive enough to assume pathogenicity. The p.Asp2312Val variant occurs in the 3rd last base of the exon. This position has been shown to be part of the splicing consensus sequence and variants involving this position sometimes affect splicing. In addition, 2 of 5 in silico or computational prediction software programs (SpliceSiteFinder, MaxEntScan, NNSPLICE, GeneSplicer, HumanSpliceFinder) predict a greater than 10% difference in splicing. In summary, based on the above information the clinical significance of this variant cannot be determined with certainty at this time although we would lean towards a more benign role for this variant. This variant is classified as likely benign

Literature cited by the submitters: PubMed 31131967 (cited by Evidence-based Network for the Interpretation of Germline Mutant Alleles (ENIGMA) and Quest Diagnostics Nichols Institute San Juan Capistrano); PubMed 31396961 (cited by Quest Diagnostics Nichols Institute San Juan Capistrano); PubMed 21990134 (cited by 3 submitters); PubMed 21638052 (cited by 3 submitters); PubMed 17924331 (cited by 3 submitters); PubMed 22505045 (cited by 3 submitters); PubMed 25556971 (cited by 3 submitters); PubMed 27741520 (cited by Quest Diagnostics Nichols Institute San Juan Capistrano); PubMed 24323938 (cited by Quest Diagnostics Nichols Institute San Juan Capistrano); PubMed 18844490 (cited by 3 submitters); PubMed 29988080 (cited by Quest Diagnostics Nichols Institute San Juan Capistrano); PubMed 18627636 (cited by Illumina Laboratory Services, Illumina); PubMed 14647438 (cited by Illumina Laboratory Services, Illumina); PubMed 15117986 (cited by Illumina Laboratory Services, Illumina).